The following is an entry in ClinVar:

NM_003628.6(PKP4):c.1072G>A (p.Val358Ile)

Gene: PKP4 (plakophilin 4; plus strand). Cytogenetic location: 2q24.1.
Variant type: single nucleotide variant.
Coding change: c.1072G>A on transcript NM_003628.6 (MANE Select); coding-DNA position 1072, G replaced by A.
Protein change: p.Val358Ile; replaces valine 358 with isoleucine.
Molecular consequence: missense variant.
Genome position (GRCh38, 1-based): chr2:158,625,346, G>A. VCF-style: chr2-158625346-G-A. GRCh37 (hg19) VCF-style: chr2-159481858-G-A.
Other names: c.1072G>A, p.Val358Ile (NM_001005476.4, NM_001304969.3, NM_001304971.2 and 6 more transcripts); c.46G>A, p.Val16Ile (NM_001304970.3); c.1066G>A, p.Val356Ile (NM_001377222.1, NM_001377223.1, NM_001377224.1); short protein forms V16I, V358I, V356I.
Identifiers: ClinVar variation 2608070 (VCV002608070.2), dbSNP rs776844858, ClinGen allele CA1920591.

ClinVar aggregate classification (germline): Uncertain significance (1 of 4 stars; one submission).

Allele frequency attached by ClinVar (database versions not stated): ExAC 0.00002; gnomAD 0.00003; gnomAD exomes 0.00003; TOPMed 0.00003.
gnomAD v4.1: 42 of 1,614,060 alleles (0.0026%); highest among the groups gnomAD compares: Non-Finnish European, 0.0034%; no homozygotes.

Submission:

Ambry Genetics
Classification: Uncertain significance. Last evaluated: 2023-08-07. Review status: criteria provided, single submitter. Criteria: Ambry Variant Classification Scheme 2023. Collection method: clinical testing. Allele origin: germline.
Comment: The p.V358I variant (also known as c.1072G>A), located in coding exon 6 of the PKP4 gene, results from a G to A substitution at nucleotide position 1072. The valine at codon 358 is replaced by isoleucine, an amino acid with highly similar properties. This amino acid position is conserved. In addition, this alteration is predicted to be tolerated by in silico analysis. Since supporting evidence is limited at this time, the clinical significance of this alteration remains unclear.